The following is an entry in ClinVar:

ClinVar aggregate classification (germline): Likely benign (1 of 4 stars; one submission).

gnomAD v4.1: 63 of 1,613,676 alleles (0.0039%); highest among the groups gnomAD compares: Admixed American, 0.0083%; no homozygotes.

Submission:

CeGaT Center for Human Genetics Tuebingen
Classification: Likely benign. Last evaluated: 2026-09-01. Review status: criteria provided, single submitter. Criteria: CeGaT Center For Human Genetics Tuebingen Variant Classification Criteria Version 2. Collection method: clinical testing. Allele origin: germline. Affected: yes. Observed: 1 variant allele.
Comment: TCF20: BP4, BP7

NM_001378418.1(TCF20):c.5343C>T (p.Ala1781=)

Gene: TCF20 (transcription factor 20; minus strand). Cytogenetic location: 22q13.2.
Variant type: single nucleotide variant.
Coding change: c.5343C>T on transcript NM_001378418.1 (MANE Select); coding-DNA position 5343, C replaced by T.
Protein change: p.Ala1781=; no amino-acid change (alanine 1781 retained).
Molecular consequence: synonymous variant.
Genome position (GRCh38, 1-based): chr22:42,209,963, G>A on the plus strand (C>T on the coding strand, the complement: TCF20 is on the minus strand). VCF-style: chr22-42209963-G-A. GRCh37 (hg19) VCF-style: chr22-42605969-G-A.
Other names: c.5343C>T, p.Ala1781= (NM_005650.4, NM_181492.3).
Identifiers: ClinVar variation 5040877 (VCV005040877.1).